The following is an entry in ClinVar:

NM_001276345.2(TNNT2):c.420_423del (p.Arg141fs)

Gene: TNNT2 (troponin T2, cardiac type; minus strand). Cytogenetic location: 1q32.1.
Variant type: Deletion.
Coding change: c.420_423del on transcript NM_001276345.2 (MANE Select); coding-DNA positions 420 to 423, 4 bases deleted (TCGG; older notation c.420_423delTCGG).
Protein change: p.Arg141fs; shifts the reading frame from arginine 141.
Molecular consequence: frameshift variant.
Genome position (GRCh38, 1-based): chr1:201,364,364-201,364,367, CCGA deleted on the plus strand (TCGG on the coding strand, the reverse complement: TNNT2 is on the minus strand); deleting any 4 consecutive bases within chr1:201,364,364-201,364,368 gives the same sequence; the c. name uses the placement nearest the transcript's 3' end. VCF-style (leftmost placement, unchanged base first): chr1-201364363-CCCGA-C. GRCh37 (hg19) VCF-style: chr1-201333491-CCCGA-C.
Other names: c.420_423del, p.Arg141fs (NM_000364.4, NM_001406723.1); c.390_393del, p.Arg131fs (NM_001001430.3, NM_001001431.3, NM_001276347.2 and 3 more transcripts); c.375_378del, p.Arg126fs (NM_001001432.3, NM_001406728.1); c.300_303del, p.Arg101fs (NM_001276346.2); c.387_390del, p.Arg130fs (NM_001406725.1); short protein forms R101fs, R126fs, R130fs, R131fs, R141fs.
Identifiers: ClinVar variation 3386118 (VCV003386118.1).

ClinVar aggregate classification (germline): Uncertain significance (1 of 4 stars; one submission).

Conditions:
Cardiomyopathy (CMYO). Also called: Cardiomyopathies. Identifiers: Orphanet 167848, MedGen C0878544, MONDO:0004994, HP:0001638. Inheritance: Various modes of inheritance.

Submission:

All of Us Research Program, National Institutes of Health
Classification: Uncertain significance for Cardiomyopathy. Last evaluated: 2024-07-29. Review status: criteria provided, single submitter. Criteria: ACMG Guidelines, 2015. Collection method: clinical testing. Allele origin: germline. Inheritance: Autosomal dominant inheritance. Observed: 1 variant allele, 1 heterozygote.
Comment: This variant deletes 4 nucleotides in exon 10 of the TNNT2 gene, creating a frameshift and premature translation stop signal. This variant is expected to result in an absent or non-functional protein product. To our knowledge, this variant has not been reported in individuals affected with TNNT2-related disorders in the literature. This variant has not been identified in the general population by the Genome Aggregation Database (gnomAD). Clinical relevance of loss-of-function TNNT2 truncation variants in autosomal dominant cardiovascular disorders is not clearly established. The available evidence is insufficient to determine the role of this variant in disease conclusively. Therefore, this variant is classified as a Variant of Uncertain Significance.

This study involves interpretation of variants in research participants for the purpose of population health screening. Participant phenotype was not available at the time of variant classification. Additional details can be found in publication PMID: 35346344, PMCID: PMC8962531